The following is an entry in ClinVar:

NM_004565.3(PEX14):c.450C>T (p.Ala150=)

Gene: PEX14 (peroxisomal biogenesis factor 14; plus strand). Cytogenetic location: 1p36.22.
Variant type: single nucleotide variant.
Coding change: c.450C>T on transcript NM_004565.3 (MANE Select); coding-DNA position 450, C replaced by T.
Protein change: p.Ala150=; no amino-acid change (alanine 150 retained).
Molecular consequence: synonymous variant.
Genome position (GRCh38, 1-based): chr1:10,623,084, C>T. VCF-style: chr1-10623084-C-T. GRCh37 (hg19) VCF-style: chr1-10683141-C-T.
Other names: c.450C>T (NM_004565.2).
Identifiers: ClinVar variation 1641122 (VCV001641122.10), dbSNP rs765794942, ClinGen allele CA583851.

ClinVar aggregate classification (germline): Likely benign. Review status: criteria provided, multiple submitters, no conflicts (2 of 4 stars). 3 submissions from 3 submitters: Likely benign (3). Last evaluated 2025-12-07.

Conditions:
PEX14-related disorder. Also called: PEX14-related condition.
Peroxisome biogenesis disorder, complementation group K (CGK). Identifiers: MedGen C1866257, MONDO:0800365.

Allele frequency attached by ClinVar (database versions not stated): gnomAD 0.00001; TOPMed 0.00001; gnomAD exomes 0.00003; ExAC 0.00004.
gnomAD v4.1: 25 of 1,613,718 alleles (0.0015%); highest among the groups gnomAD compares: East Asian, 0.0022%; no homozygotes.

Submissions (3):

PreventionGenetics, part of Exact Sciences
Classification: Likely benign for PEX14-related condition. Last evaluated: 2025-12-07. Review status: criteria provided, single submitter. Criteria: ACMG Guidelines, 2015. Collection method: clinical testing. Allele origin: germline.
Comment: This variant is classified as likely benign based on ACMG/AMP sequence variant interpretation guidelines (Richards et al. 2015 PMID: 25741868, with internal and published modifications).

Labcorp Genetics (formerly Invitae), Labcorp
Classification: Likely benign for Peroxisome biogenesis disorder, complementation group K. Last evaluated: 2025-11-28. Review status: criteria provided, single submitter. Criteria: Invitae Variant Classification Sherloc (09022015). Collection method: clinical testing. Allele origin: germline.

Blueprint Genetics
Classification: Likely benign. Last evaluated: 2023-06-30. Review status: criteria provided, single submitter. Criteria: ACMG Guidelines, 2015. Collection method: clinical testing. Allele origin: germline.